The following is an entry in ClinVar:

NM_001164665.2(KIAA1549):c.1431T>A (p.Asp477Glu)

Gene: KIAA1549 (KIAA1549; minus strand). Cytogenetic location: 7q34.
Variant type: single nucleotide variant.
Coding change: c.1431T>A on transcript NM_001164665.2 (MANE Select); coding-DNA position 1431, T replaced by A.
Protein change: p.Asp477Glu; replaces aspartic acid 477 with glutamic acid.
Molecular consequence: missense variant.
Genome position (GRCh38, 1-based): chr7:138,918,195, A>T on the plus strand (T>A on the coding strand, the complement: KIAA1549 is on the minus strand). VCF-style: chr7-138918195-A-T. GRCh37 (hg19) VCF-style: chr7-138602941-A-T.
Other names: c.1431T>A (NM_001164665.1); c.1431T>A, p.Asp477Glu (NM_020910.3); short protein forms D477E.
Identifiers: ClinVar variation 1976730 (VCV001976730.5), dbSNP rs1411890432, ClinGen allele CA369398693.

ClinVar aggregate classification (germline): Conflicting classifications of pathogenicity. Review status: criteria provided, conflicting classifications (1 of 4 stars). 2 submissions from 2 submitters: Uncertain significance (1); Likely benign (1). Last evaluated 2025-08-30.

Conditions:
Inborn genetic diseases. Identifiers: MedGen C0950123, MeSH D030342.

Allele frequency attached by ClinVar (database versions not stated): gnomAD exomes below 0.00001; TOPMed below 0.00001.
gnomAD v4.1: 3 of 1,614,000 alleles (0.00019%); highest among the groups gnomAD compares: Non-Finnish European, 0.00017%; no homozygotes.

Submissions (2):

Ambry Genetics
Classification: Likely benign for Inborn genetic diseases. Last evaluated: 2025-08-30. Review status: criteria provided, single submitter. Criteria: Ambry Variant Classification Scheme 2023. Collection method: clinical testing. Allele origin: germline.

Labcorp Genetics (formerly Invitae), Labcorp
Classification: Uncertain significance. Last evaluated: 2022-03-31. Review status: criteria provided, single submitter. Criteria: Invitae Variant Classification Sherloc (09022015). Collection method: clinical testing. Allele origin: germline.
Comment: In summary, the available evidence is currently insufficient to determine the role of this variant in disease. Therefore, it has been classified as a Variant of Uncertain Significance. Algorithms developed to predict the effect of missense changes on protein structure and function output the following: SIFT: "Tolerated"; PolyPhen-2: "Benign"; Align-GVGD: "Class C0". The glutamic acid amino acid residue is found in multiple mammalian species, which suggests that this missense change does not adversely affect protein function. This variant has not been reported in the literature in individuals affected with KIAA1549-related conditions. This variant is present in population databases (no rsID available, gnomAD 0.007%). This sequence change replaces aspartic acid, which is acidic and polar, with glutamic acid, which is acidic and polar, at codon 477 of the KIAA1549 protein (p.Asp477Glu).